The following is an entry in ClinVar:

ClinVar aggregate classification (germline): Uncertain significance (1 of 4 stars; one submission).

Conditions:
Cardiovascular phenotype. Identifiers: MedGen CN230736.

Allele frequency attached by ClinVar (database versions not stated): ExAC 0.00003; gnomAD 0.00007; ESP Exome Variant Server 0.00013.
gnomAD v4.1: 33 of 1,612,324 alleles (0.002%); highest among the groups gnomAD compares: Admixed American, 0.018%; no homozygotes.

Submission:

Ambry Genetics
Classification: Uncertain significance for Cardiovascular phenotype. Last evaluated: 2025-09-12. Review status: criteria provided, single submitter. Criteria: Ambry Variant Classification Scheme 2023. Collection method: clinical testing. Allele origin: germline.
Comment: The p.G2561R variant (also known as c.7681G>A), located in coding exon 21 of the TNXB gene, results from a G to A substitution at nucleotide position 7681. The glycine at codon 2561 is replaced by arginine, an amino acid with dissimilar properties. This amino acid position is conserved. In addition, this alteration is predicted to be tolerated by in silico analysis. Based on the available evidence, the clinical significance of this variant remains unclear.

NM_001365276.2(TNXB):c.7681G>A (p.Gly2561Arg)

Gene: TNXB (tenascin XB; minus strand). Cytogenetic location: 6p21.33.
Variant type: single nucleotide variant.
Coding change: c.7681G>A on transcript NM_001365276.2 (MANE Select); coding-DNA position 7681, G replaced by A.
Protein change: p.Gly2561Arg; replaces glycine 2561 with arginine.
Molecular consequence: missense variant.
Genome position (GRCh38, 1-based): chr6:32,058,202, C>T on the plus strand (G>A on the coding strand, the complement: TNXB is on the minus strand). VCF-style: chr6-32058202-C-T. GRCh37 (hg19) VCF-style: chr6-32025979-C-T.
Other names: c.7681G>A, p.Gly2561Arg (NM_019105.8); short protein forms G2561R.
Identifiers: ClinVar variation 2240398 (VCV002240398.3), dbSNP rs370819172, ClinGen allele CA3734085.